The following is an entry in ClinVar:

ClinVar aggregate classification (germline): Likely benign (1 of 4 stars; one submission).

Submission:

CeGaT Center for Human Genetics Tuebingen
Classification: Likely benign. Last evaluated: 2023-08-01. Review status: criteria provided, single submitter. Criteria: CeGaT Center For Human Genetics Tuebingen Variant Classification Criteria Version 2. Collection method: clinical testing. Allele origin: germline. Affected: yes. Observed: 1 variant allele.
Comment: HLA-DRB5: BP4, BP7

NC_000006.12:g.32530170G>A

Gene: HLA-DRB5 (major histocompatibility complex, class II, DR beta 5; minus strand). Cytogenetic location: 6p21.32.
Variant type: single nucleotide variant.
Molecular consequence: synonymous variant (on NM_022555.4).
Genome position: GRCh38 VCF-style: chr6-32530170-G-A. GRCh37 (hg19) VCF-style: chr6-32497947-G-A.
Other names: c.55C>T, p.Leu19= (NM_022555.4).
Identifiers: ClinVar variation 2656455 (VCV002656455.24), dbSNP rs1377460175, ClinGen allele CA449739544.
Genomic context (GRCh38, chr6:32,530,170, plus strand): 5'-ACAATGTGCACTTACGTCGGGTGTCCCCAGCCAAAGCCAGTGGGGAGCTCAGCACCATCA[G>A]TGTCACTGTCAGCTTTGCCATGTAGGAACCTCCAGGGAGCTTCAGACACACCATGCTGGA-3'